The following is an entry in ClinVar:

ClinVar aggregate classification (germline): Uncertain significance. Review status: criteria provided, multiple submitters, no conflicts (2 of 4 stars). 2 submissions from 2 submitters: Uncertain significance (2). Last evaluated 2025-11-20.

Conditions:
Inborn genetic diseases. Identifiers: MedGen C0950123, MeSH D030342.
MEGF10-related myopathy (CMYO10A). Also called: Congenital myopathy 10A, severe variant. Identifiers: Orphanet 439212, MedGen C3280679, MONDO:0013731, OMIM 614399.

Allele frequency attached by ClinVar (database versions not stated): gnomAD exomes below 0.00001; ExAC 0.00001; gnomAD 0.00001; TOPMed 0.00002.

Submissions (2):

Ambry Genetics
Classification: Uncertain significance for Inborn genetic diseases. Last evaluated: 2025-11-20. Review status: criteria provided, single submitter. Criteria: Ambry Variant Classification Scheme 2023. Collection method: clinical testing. Allele origin: germline.

Labcorp Genetics (formerly Invitae), Labcorp
Classification: Uncertain significance for MEGF10-related myopathy. Last evaluated: 2022-09-07. Review status: criteria provided, single submitter. Criteria: Invitae Variant Classification Sherloc (09022015). Collection method: clinical testing. Allele origin: germline.
Comment: This sequence change replaces alanine, which is neutral and non-polar, with threonine, which is neutral and polar, at codon 171 of the MEGF10 protein (p.Ala171Thr). This variant is present in population databases (rs752601027, gnomAD 0.007%). This variant has not been reported in the literature in individuals affected with MEGF10-related conditions. ClinVar contains an entry for this variant (Variation ID: 1003358). Algorithms developed to predict the effect of missense changes on protein structure and function (SIFT, PolyPhen-2, Align-GVGD) all suggest that this variant is likely to be tolerated. In summary, the available evidence is currently insufficient to determine the role of this variant in disease. Therefore, it has been classified as a Variant of Uncertain Significance.

NM_001256545.2(MEGF10):c.511G>A (p.Ala171Thr)

Gene: MEGF10 (multiple EGF like domains 10; plus strand). Cytogenetic location: 5q23.2.
Variant type: single nucleotide variant.
Coding change: c.511G>A on transcript NM_001256545.2 (MANE Select); coding-DNA position 511, G replaced by A.
Protein change: p.Ala171Thr; replaces alanine 171 with threonine.
Molecular consequence: missense variant.
Genome position (GRCh38, 1-based): chr5:127,396,630, G>A. VCF-style: chr5-127396630-G-A. GRCh37 (hg19) VCF-style: chr5-126732322-G-A.
Other names: c.511G>A (NM_032446.2); c.511G>A, p.Ala171Thr (NM_001308119.2, NM_001308121.2, NM_032446.3); short protein forms A171T.
Identifiers: ClinVar variation 1003358 (VCV001003358.7), dbSNP rs752601027, ClinGen allele CA3391306.